The following is an entry in ClinVar:

NM_015214.3(DDHD2):c.1125+20A>C

Gene: DDHD2 (DDHD domain containing 2; plus strand). Cytogenetic location: 8p11.23.
Variant type: single nucleotide variant.
Coding change: c.1125+20A>C on transcript NM_015214.3 (MANE Select); 20 bases into the intron after coding-DNA position 1125, A replaced by C.
Molecular consequence: intron variant.
Genome position (GRCh38, 1-based): chr8:38,246,320, A>C. VCF-style: chr8-38246320-A-C. GRCh37 (hg19) VCF-style: chr8-38103838-A-C.
Other names: c.1125+20A>C (NM_001362914.2, NM_001362912.2, NM_001362911.2 and 1 more transcripts); c.1035+20A>C (NM_001362913.2).
Identifiers: ClinVar variation 508684 (VCV000508684.5), dbSNP rs370899112, ClinGen allele CA4716160.

ClinVar aggregate classification (germline): Likely benign. Review status: criteria provided, multiple submitters, no conflicts (2 of 4 stars). 2 submissions from 2 submitters: Likely benign (2). Last evaluated 2024-02-05.

Conditions:
Hereditary spastic paraplegia 54. Also called: Spastic paraplegia 54, autosomal recessive. Identifiers: Orphanet 320380, MedGen C3539495, MONDO:0014018, OMIM 615033.

Allele frequency attached by ClinVar (database versions not stated): TOPMed 0.00006; ExAC 0.00005; ESP Exome Variant Server 0.00015; gnomAD exomes 0.00005; gnomAD 0.00009 and 0.00010.
gnomAD v4.1: 77 of 1,579,542 alleles (0.0049%); highest among the groups gnomAD compares: Non-Finnish European, 0.0062%; no homozygotes.

Submissions (2):

Labcorp Genetics (formerly Invitae), Labcorp
Classification: Likely benign for Hereditary spastic paraplegia 54. Last evaluated: 2024-02-05. Review status: criteria provided, single submitter. Criteria: Invitae Variant Classification Sherloc (09022015). Collection method: clinical testing. Allele origin: germline.

GeneDx
Classification: Likely benign. Last evaluated: 2017-04-06. Review status: criteria provided, single submitter. Criteria: GeneDx Variant Classification (06012015). Collection method: clinical testing. Allele origin: germline. Affected: yes.
Comment: This variant is considered likely benign or benign based on one or more of the following criteria: it is a conservative change, it occurs at a poorly conserved position in the protein, it is predicted to be benign by multiple in silico algorithms, and/or has population frequency not consistent with disease.